The following is an entry in ClinVar:

NM_005994.4(TBX2):c.59G>A (p.Arg20Gln)

Gene: TBX2 (T-box transcription factor 2; plus strand). Cytogenetic location: 17q23.2.
Variant type: single nucleotide variant.
Coding change: c.59G>A on transcript NM_005994.4 (MANE Select); coding-DNA position 59, G replaced by A.
Protein change: p.Arg20Gln; replaces arginine 20 with glutamine.
Molecular consequence: missense variant.
Genome position (GRCh38, 1-based): chr17:61,400,235, G>A. VCF-style: chr17-61400235-G-A. GRCh37 (hg19) VCF-style: chr17-59477596-G-A.
Other names: short protein forms R20Q.
Identifiers: ClinVar variation 522826 (VCV000522826.6), dbSNP rs1364709483, ClinGen allele CA400469508.
Genomic context (GRCh38, chr17:61,400,235, plus strand): 5'-CGATGAGAGAGCCGGCGCTGGCGGCCAGCGCCATGGCTTACCACCCGTTCCACGCGCCAC[G>A]GCCCGCCGACTTCCCCATGTCCGCCTTTCTGGCGGCGGCGCAGCCCTCCTTCTTCCCGGC-3'
Protein context (NP_005985.3, residues 10-30): AMAYHPFHAP[Arg20Gln]PADFPMSAFL

ClinVar aggregate classification (germline): Pathogenic/Likely pathogenic. Review status: criteria provided, multiple submitters, no conflicts (2 of 4 stars). 4 submissions from 4 submitters: Pathogenic (2); Likely pathogenic (1). 1 of the submissions does not count toward it. Last evaluated 2022-09-05.

Conditions:
Vertebral anomalies and variable endocrine and T-cell dysfunction. Identifiers: MedGen C4748741, MONDO:0032607, OMIM 618223.
TBX2-related disorder. Also called: TBX2-related condition.

Allele frequency attached by ClinVar (database versions not stated): gnomAD 0.00006 and 0.00007; TOPMed 0.00006.
gnomAD v4.1: 62 of 1,215,720 alleles (0.0051%); highest among the groups gnomAD compares: Non-Finnish European, 0.0062%; no homozygotes.

Submissions (4):

Baylor Genetics
Classification: Likely pathogenic for Vertebral anomalies and variable endocrine and T-cell dysfunction. Last evaluated: 2022-09-05. Review status: criteria provided, single submitter. Criteria: ACMG Guidelines, 2015. Collection method: clinical testing. Allele origin: unknown.

Mendelics
Classification: Pathogenic for Vertebral anomalies and variable endocrine and T-cell dysfunction. Last evaluated: 2022-05-04. Review status: criteria provided, single submitter. Criteria: Mendelics Assertion Criteria 2019. Collection method: clinical testing. Allele origin: germline.

Undiagnosed Diseases Network, NIH
Classification: Pathogenic for TBX2-related condition. Last evaluated: 2016-02-24. Review status: criteria provided, single submitter. Criteria: ACMG Guidelines, 2015. Collection method: clinical testing. Allele origin: maternal. Inheritance: Autosomal dominant inheritance. Affected: yes. Observed: 3 variant alleles, 3 heterozygotes. Clinical features observed: Unilateral cleft palate (HP:0100334), Unilateral cleft lip (HP:0100333), Triangular face (HP:0000325), Thyroiditis (HP:0100646), Congenital elevation of scapula (HP:0000912), Short uvula (HP:0010812), Short neck (HP:0000470), Seizures (HP:0001250), Scoliosis (HP:0002650), Scapular winging (HP:0003691), Sandal gap (HP:0001852), Rib fusion (HP:0000902), and 24 more. Study: Undiagnosed Diseases Network (NIH), UDN.
Comment: This family has been reported in PMID: 29726930 (family 1).

OMIM
Classification: Pathogenic for VERTEBRAL ANOMALIES AND VARIABLE ENDOCRINE AND T-CELL DYSFUNCTION. Last evaluated: 2018-12-06. Review status: no assertion criteria provided. Collection method: literature only. Allele origin: germline. Not counted in ClinVar's aggregate classification.

Literature cited by the submitters: PubMed 29726930 (cited by OMIM).